The following is an entry in ClinVar:

NM_021939.4(FKBP10):c.1116C>A (p.Asp372Glu)

Gene: FKBP10 (FKBP prolyl isomerase 10; plus strand). Cytogenetic location: 17q21.2.
Variant type: single nucleotide variant.
Coding change: c.1116C>A on transcript NM_021939.4 (MANE Select); coding-DNA position 1116, C replaced by A.
Protein change: p.Asp372Glu; replaces aspartic acid 372 with glutamic acid.
Molecular consequence: missense variant.
Genome position (GRCh38, 1-based): chr17:41,820,321, C>A. VCF-style: chr17-41820321-C-A. GRCh37 (hg19) VCF-style: chr17-39976573-C-A.
Other names: short protein forms D372E.
Identifiers: ClinVar variation 2131078 (VCV002131078.4), dbSNP rs2544440585, ClinGen allele CA399517094.
Genomic context (GRCh38, chr17:41,820,321, plus strand): 5'-GGCCTCAGGAGACAAGATCCCTGGCTCTGCCGTGCTAATCTTCAACGTCCATGTCATTGA[C>A]TTCCACAACCCTGCGGATGTGGTGGAAATCAGGACACTGTCCCGGCCATCTGAGACCTGC-3'
Protein context (NP_068758.3, residues 362-382): AVLIFNVHVI[Asp372Glu]FHNPADVVEI

ClinVar aggregate classification (germline): Uncertain significance (1 of 4 stars; one submission).

Allele frequency attached by ClinVar (database versions not stated): gnomAD exomes below 0.00001.

Submission:

Labcorp Genetics (formerly Invitae), Labcorp
Classification: Uncertain significance. Last evaluated: 2022-10-07. Review status: criteria provided, single submitter. Criteria: Invitae Variant Classification Sherloc (09022015). Collection method: clinical testing. Allele origin: germline.
Comment: This sequence change replaces aspartic acid, which is acidic and polar, with glutamic acid, which is acidic and polar, at codon 372 of the FKBP10 protein (p.Asp372Glu). This variant is not present in population databases (gnomAD no frequency). This variant has not been reported in the literature in individuals affected with FKBP10-related conditions. Advanced modeling of protein sequence and biophysical properties (such as structural, functional, and spatial information, amino acid conservation, physicochemical variation, residue mobility, and thermodynamic stability) performed at Invitae indicates that this missense variant is expected to disrupt FKBP10 protein function. In summary, the available evidence is currently insufficient to determine the role of this variant in disease. Therefore, it has been classified as a Variant of Uncertain Significance.